The following is an entry in ClinVar:

NM_001190274.2(FBXO11):c.1715C>G (p.Ala572Gly)

Gene: FBXO11 (F-box protein 11; minus strand). Cytogenetic location: 2p16.3.
Variant type: single nucleotide variant.
Coding change: c.1715C>G on transcript NM_001190274.2 (MANE Select); coding-DNA position 1715, C replaced by G.
Protein change: p.Ala572Gly; replaces alanine 572 with glycine.
Molecular consequence: missense variant.
Genome position (GRCh38, 1-based): chr2:47,820,444, G>C on the plus strand (C>G on the coding strand, the complement: FBXO11 is on the minus strand). VCF-style: chr2-47820444-G-C. GRCh37 (hg19) VCF-style: chr2-48047583-G-C.
Other names: c.1463C>G, p.Ala488Gly (NM_001374325.1, NM_025133.4); short protein forms A488G, A572G.
Identifiers: ClinVar variation 3345283 (VCV003345283.1).

ClinVar aggregate classification (germline): Uncertain significance (0 of 4 stars; one submission).

Conditions:
FBXO11-related disorder. Also called: FBXO11-related condition.

Submission:

PreventionGenetics, part of Exact Sciences
Classification: Uncertain significance for FBXO11-related condition. Last evaluated: 2024-06-14. Review status: no assertion criteria provided. Collection method: clinical testing. Allele origin: germline.
Comment: The FBXO11 c.1715C>G variant is predicted to result in the amino acid substitution p.Ala572Gly. To our knowledge, this variant has not been reported in the literature or in a large population database, indicating this variant is rare. At this time, the clinical significance of this variant is uncertain due to the absence of conclusive functional and genetic evidence.